The following is an entry in ClinVar:

ClinVar aggregate classification (germline): Uncertain significance (1 of 4 stars; one submission).

Allele frequency attached by ClinVar (database versions not stated): gnomAD exomes 0.00001.

Submission:

Labcorp Genetics (formerly Invitae), Labcorp
Classification: Uncertain significance. Last evaluated: 2022-07-26. Review status: criteria provided, single submitter. Criteria: Invitae Variant Classification Sherloc (09022015). Collection method: clinical testing. Allele origin: germline.
Comment: In summary, the available evidence is currently insufficient to determine the role of this variant in disease. Therefore, it has been classified as a Variant of Uncertain Significance. Algorithms developed to predict the effect of missense changes on protein structure and function output the following: SIFT: "Tolerated"; PolyPhen-2: "Benign"; Align-GVGD: "Class C0". The serine amino acid residue is found in multiple mammalian species, which suggests that this missense change does not adversely affect protein function. ClinVar contains an entry for this variant (Variation ID: 1395837). This variant has not been reported in the literature in individuals affected with SNRNP200-related conditions. This variant is not present in population databases (gnomAD no frequency). This sequence change replaces glycine, which is neutral and non-polar, with serine, which is neutral and polar, at codon 399 of the SNRNP200 protein (p.Gly399Ser).

NM_014014.5(SNRNP200):c.1195G>A (p.Gly399Ser)

Gene: SNRNP200 (small nuclear ribonucleoprotein U5 subunit 200; minus strand). Cytogenetic location: 2q11.2.
Variant type: single nucleotide variant.
Coding change: c.1195G>A on transcript NM_014014.5 (MANE Select); coding-DNA position 1195, G replaced by A.
Protein change: p.Gly399Ser; replaces glycine 399 with serine.
Molecular consequence: missense variant.
Genome position (GRCh38, 1-based): chr2:96,297,645, C>T on the plus strand (G>A on the coding strand, the complement: SNRNP200 is on the minus strand). VCF-style: chr2-96297645-C-T. GRCh37 (hg19) VCF-style: chr2-96963383-C-T.
Other names: short protein forms G399S.
Identifiers: ClinVar variation 1395837 (VCV001395837.6), dbSNP rs2104358068, ClinGen allele CA347683498.
Genomic context (GRCh38, chr2:96,297,645, plus strand): 5'-AGTGAGTTTTCCATCCATCAAGGCCTGGGAAATAAATCGCCCTGGATCCTACCTCTCCAC[C>T]CTGGTCGAGATCCATGGTTTCCAGATCTGTGTCCATTCGAGACTGACGCACTCGCTCTCT-3'
Protein context (NP_054733.2, residues 389-409): TDLETMDLDQ[Gly399Ser]GEALAPRQVL